The following is an entry in ClinVar:

ClinVar aggregate classification (germline): Likely benign (0 of 4 stars; one submission).

Conditions:
KRT2-related disorder. Also called: KRT2-related condition.

Allele frequency attached by ClinVar (database versions not stated): TOPMed below 0.00001; gnomAD 0.00001; ExAC 0.00003; gnomAD exomes 0.00003.
gnomAD v4.1: 40 of 1,613,900 alleles (0.0025%); highest among the groups gnomAD compares: South Asian, 0.0033%; no homozygotes.

Submission:

PreventionGenetics, part of Exact Sciences
Classification: Likely benign for KRT2-related condition. Last evaluated: 2019-05-28. Review status: no assertion criteria provided. Collection method: clinical testing. Allele origin: germline.
Comment: This variant is classified as likely benign based on ACMG/AMP sequence variant interpretation guidelines (Richards et al. 2015 PMID: 25741868, with internal and published modifications).

NM_000423.3(KRT2):c.1218G>T (p.Leu406=)

Gene: KRT2 (keratin 2; minus strand). Cytogenetic location: 12q13.13.
Variant type: single nucleotide variant.
Coding change: c.1218G>T on transcript NM_000423.3 (MANE Select); coding-DNA position 1218, G replaced by T.
Protein change: p.Leu406=; no amino-acid change (leucine 406 retained).
Molecular consequence: synonymous variant.
Genome position (GRCh38, 1-based): chr12:52,647,760, C>A on the plus strand (G>T on the coding strand, the complement: KRT2 is on the minus strand). VCF-style: chr12-52647760-C-A. GRCh37 (hg19) VCF-style: chr12-53041544-C-A.
Identifiers: ClinVar variation 3039482 (VCV003039482.2), dbSNP rs777643828, ClinGen allele CA6585560.